The following is an entry in ClinVar:

ClinVar aggregate classification (germline): Uncertain significance. Review status: criteria provided, multiple submitters, no conflicts (2 of 4 stars). 2 submissions from 2 submitters: Uncertain significance (2). Last evaluated 2025-11-11.

Conditions:
Hereditary cancer-predisposing syndrome. Also called: Neoplastic Syndromes, Hereditary; Hereditary Cancer Syndrome; Hereditary neoplastic syndrome; Tumor predisposition. Identifiers: Orphanet 140162, MedGen C0027672, MeSH D009386, MONDO:0015356.
Neuroblastoma, susceptibility to, 3. Also called: ALK-Related Neuroblastic Tumor Susceptibility. Identifiers: Orphanet 635, MedGen C2751681, MONDO:0013083, OMIM 613014.

Submissions (2):

Labcorp Genetics (formerly Invitae), Labcorp
Classification: Uncertain significance for Neuroblastoma, susceptibility to, 3. Last evaluated: 2025-11-11. Review status: criteria provided, single submitter. Criteria: Invitae Variant Classification Sherloc (09022015). Collection method: clinical testing. Allele origin: germline.
Comment: This sequence change replaces glycine, which is neutral and non-polar, with serine, which is neutral and polar, at codon 153 of the ALK protein (p.Gly153Ser). This variant is not present in population databases (gnomAD no frequency). This variant has not been reported in the literature in individuals affected with ALK-related conditions. ClinVar contains an entry for this variant (Variation ID: 853333). An algorithm developed to predict the effect of missense changes on protein structure and function (PolyPhen-2) suggests that this variant is likely to be disruptive. In summary, the available evidence is currently insufficient to determine the role of this variant in disease. Therefore, it has been classified as a Variant of Uncertain Significance.

Ambry Genetics
Classification: Uncertain significance for Hereditary cancer-predisposing syndrome. Last evaluated: 2025-01-31. Review status: criteria provided, single submitter. Criteria: Ambry Variant Classification Scheme 2023. Collection method: clinical testing. Allele origin: germline.
Comment: The p.G153S variant (also known as c.457G>A), located in coding exon 1 of the ALK gene, results from a G to A substitution at nucleotide position 457. The glycine at codon 153 is replaced by serine, an amino acid with similar properties. This amino acid position is conserved. In addition, this alteration is predicted to be deleterious by in silico analysis. Since supporting evidence is limited at this time, the clinical significance of this alteration remains unclear.

NM_004304.5(ALK):c.457G>A (p.Gly153Ser)

Gene: ALK (ALK receptor tyrosine kinase; minus strand). Cytogenetic location: 2p23.1.
Variant type: single nucleotide variant.
Coding change: c.457G>A on transcript NM_004304.5 (MANE Select); coding-DNA position 457, G replaced by A.
Protein change: p.Gly153Ser; replaces glycine 153 with serine.
Molecular consequence: missense variant.
Genome position (GRCh38, 1-based): chr2:29,920,203, C>T on the plus strand (G>A on the coding strand, the complement: ALK is on the minus strand). VCF-style: chr2-29920203-C-T. GRCh37 (hg19) VCF-style: chr2-30143069-C-T.
Other names: short protein forms G153S.
Identifiers: ClinVar variation 853333 (VCV000853333.13), dbSNP rs1485515006, ClinGen allele CA346590004.
Genomic context (GRCh38, chr2:29,920,203, plus strand): 5'-GCTCGCTGAGATTGAACTGGAGCAGCCCCACAGCCGCCTCCCCGGGGGGCCCGACGCAAC[C>T]CTCCAAGATCGCCTCCTCGCCCAGCTCCAGCACCAACTGCTTGGCACGCCGGAGCTTGCG-3'
Protein context (NP_004295.2, residues 143-163): LELGEEAILE[Gly153Ser]CVGPPGEAAV